The following is an entry in ClinVar:

ClinVar aggregate classification (germline): Uncertain significance (1 of 4 stars; one submission).

Conditions:
Neurofibromatosis, type 1 (NF1). Also called: VON RECKLINGHAUSEN DISEASE; Neurofibromatosis, type I; NEUROFIBROMATOSIS, TYPE I, SOMATIC; Peripheral type neurofibromatosis. Identifiers: Orphanet 636, MedGen C0027831, MONDO:0018975, OMIM 162200. Disease mechanism: loss of function.

Submission:

Labcorp Genetics (formerly Invitae), Labcorp
Classification: Uncertain significance for Neurofibromatosis, type 1. Last evaluated: 2025-08-17. Review status: criteria provided, single submitter. Criteria: Invitae Variant Classification Sherloc (09022015). Collection method: clinical testing. Allele origin: germline.
Comment: This sequence change replaces leucine, which is neutral and non-polar, with phenylalanine, which is neutral and non-polar, at codon 600 of the NF1 protein (p.Leu600Phe). This variant is not present in population databases (gnomAD no frequency). This variant has not been reported in the literature in individuals affected with NF1-related conditions. Invitae Evidence Modeling of protein sequence and biophysical properties (such as structural, functional, and spatial information, amino acid conservation, physicochemical variation, residue mobility, and thermodynamic stability) indicates that this missense variant is expected to disrupt NF1 protein function with a positive predictive value of 95%. In summary, the available evidence is currently insufficient to determine the role of this variant in disease. Therefore, it has been classified as a Variant of Uncertain Significance.

NM_001042492.3(NF1):c.1800G>C (p.Leu600Phe)

Gene: NF1 (neurofibromin 1; plus strand). Cytogenetic location: 17q11.2.
Variant type: single nucleotide variant.
Coding change: c.1800G>C on transcript NM_001042492.3 (MANE Select); coding-DNA position 1800, G replaced by C.
Protein change: p.Leu600Phe; replaces leucine 600 with phenylalanine.
Molecular consequence: missense variant.
Genome position (GRCh38, 1-based): chr17:31,223,522, G>C. VCF-style: chr17-31223522-G-C. GRCh37 (hg19) VCF-style: chr17-29550540-G-C.
Other names: c.1800G>C, p.Leu600Phe (NM_000267.4); short protein forms L600F.
Identifiers: ClinVar variation 4800726 (VCV004800726.1).
Genomic context (GRCh38, chr17:31,223,522, plus strand): 5'-CATCTGCAAGAAATTAACTAGTCATCAAATGCTTAGTAGCACAGAAATTCTCAAGTGGTT[G>C]CGGGAAATATTGATCTGCAGGAATAAATTTCTTCTTAAAAATAAGGTAAGCAAAATGACA-3'
Protein context (NP_001035957.1, residues 590-610): MLSSTEILKW[Leu600Phe]REILICRNKF